The following is an entry in ClinVar:

NM_001845.6(COL4A1):c.551C>T (p.Pro184Leu)

Gene: COL4A1 (collagen type IV alpha 1 chain; minus strand). Cytogenetic location: 13q34.
Variant type: single nucleotide variant.
Coding change: c.551C>T on transcript NM_001845.6 (MANE Select); coding-DNA position 551, C replaced by T.
Protein change: p.Pro184Leu; replaces proline 184 with leucine.
Molecular consequence: missense variant.
Genome position (GRCh38, 1-based): chr13:110,210,130, G>A on the plus strand (C>T on the coding strand, the complement: COL4A1 is on the minus strand). VCF-style: chr13-110210130-G-A. GRCh37 (hg19) VCF-style: chr13-110862477-G-A.
Other names: c.551C>T, p.Pro184Leu (NM_001303110.2); short protein forms P184L.
Identifiers: ClinVar variation 1717152 (VCV001717152.5), dbSNP rs2501595664, ClinGen allele CA388725563.

ClinVar aggregate classification (germline): Uncertain significance (1 of 4 stars; one submission).

Submission:

Labcorp Genetics (formerly Invitae), Labcorp
Classification: Uncertain significance. Last evaluated: 2022-08-20. Review status: criteria provided, single submitter. Criteria: Invitae Variant Classification Sherloc (09022015). Collection method: clinical testing. Allele origin: germline.
Comment: In summary, the available evidence is currently insufficient to determine the role of this variant in disease. Therefore, it has been classified as a Variant of Uncertain Significance. Algorithms developed to predict the effect of missense changes on protein structure and function are either unavailable or do not agree on the potential impact of this missense change (SIFT: "Tolerated"; PolyPhen-2: "Not Available"; Align-GVGD: "Class C0"). This variant has not been reported in the literature in individuals affected with COL4A1-related conditions. This variant is not present in population databases (gnomAD no frequency). This sequence change replaces proline, which is neutral and non-polar, with leucine, which is neutral and non-polar, at codon 184 of the COL4A1 protein (p.Pro184Leu).